The following is an entry in ClinVar:

NM_001378609.3(OTOGL):c.1216A>G (p.Thr406Ala)

Gene: OTOGL (otogelin like; plus strand). Cytogenetic location: 12q21.31.
Variant type: single nucleotide variant.
Coding change: c.1216A>G on transcript NM_001378609.3 (MANE Select); coding-DNA position 1216, A replaced by G.
Protein change: p.Thr406Ala; replaces threonine 406 with alanine.
Molecular consequence: missense variant.
Genome position (GRCh38, 1-based): chr12:80,252,132, A>G. VCF-style: chr12-80252132-A-G. GRCh37 (hg19) VCF-style: chr12-80645912-A-G.
Other names: c.1216A>G, p.Thr406Ala (NM_001368062.3, NM_001378610.3, NM_173591.7); short protein forms T406A.
Identifiers: ClinVar variation 4086581 (VCV004086581.1).
Genomic context (GRCh38, chr12:80,252,132, plus strand): 5'-TTAGCTGATAAATGTGATGATAGCTTTGTCCATCGGGACTGTATCAGTTGTTGTCCACCA[A>G]CCTGCACATTTGAGAAGCAATGTCTTGGGAGCAATCTCCATTGTCTTGATGGATGTTACT-3'
Protein context (NP_001365538.2, residues 396-416): HRDCISCCPP[Thr406Ala]CTFEKQCLGS

ClinVar aggregate classification (germline): Uncertain significance (1 of 4 stars; one submission).

gnomAD v4.1: 2 of 1,573,384 alleles (0.00013%); highest among the groups gnomAD compares: African/African-American, 0.0013%; no homozygotes.

Submission:

GeneDx
Classification: Uncertain significance. Last evaluated: 2025-03-17. Review status: criteria provided, single submitter. Criteria: GeneDx Variant Classification Process June 2021. Collection method: clinical testing. Allele origin: germline. Affected: yes.
Comment: Not observed at significant frequency in large population cohorts (gnomAD); In silico analysis indicates that this missense variant does not alter protein structure/function; Has not been previously published as pathogenic or benign to our knowledge